The following is an entry in ClinVar:

ClinVar aggregate classification (germline): Pathogenic (1 of 4 stars; one submission).

Conditions:
Curry-Hall syndrome (WAD). Also called: WEYERS ACRODENTAL DYSOSTOSIS. Identifiers: Orphanet 952, MedGen C0457013, MONDO:0008673, OMIM 193530.
Ellis-van Creveld syndrome (EVC). Also called: EVC-Related Ellis-van Creveld Syndrome; EVC2-Related Ellis-van Creveld Syndrome; MESOECTODERMAL DYSPLASIA; Chondroectodermal dysplasia. Identifiers: Orphanet 289, MedGen C0013903, MONDO:0009162, OMIM 225500.

Submission:

Labcorp Genetics (formerly Invitae), Labcorp
Classification: Pathogenic for Curry-Hall syndrome; Ellis-van Creveld syndrome. Last evaluated: 2023-07-25. Review status: criteria provided, single submitter. Criteria: Invitae Variant Classification Sherloc (09022015). Collection method: clinical testing. Allele origin: germline.
Comment: This sequence change creates a premature translational stop signal (p.Lys917Argfs*5) in the EVC2 gene. It is expected to result in an absent or disrupted protein product. Loss-of-function variants in EVC2 are known to be pathogenic (PMID: 17024374, 19810119, 19876929). For these reasons, this variant has been classified as Pathogenic. This variant has not been reported in the literature in individuals affected with EVC2-related conditions. This variant is not present in population databases (gnomAD no frequency).

Literature cited by the submitters: PubMed 17024374; PubMed 19810119; PubMed 19876929.

NM_147127.5(EVC2):c.2750del (p.Lys917fs)

Gene: EVC2 (EvC ciliary complex subunit 2; minus strand). Cytogenetic location: 4p16.2.
Variant type: Deletion.
Coding change: c.2750del on transcript NM_147127.5 (MANE Select); coding-DNA position 2750, one base deleted (A; older notation c.2750delA).
Protein change: p.Lys917fs; shifts the reading frame from lysine 917.
Molecular consequence: frameshift variant.
Genome position (GRCh38, 1-based): chr4:5,615,501, T deleted on the plus strand (A on the coding strand, the reverse complement: EVC2 is on the minus strand); the first of 2 consecutive T bases (chr4:5,615,501-5,615,502); deleting either gives the same sequence. VCF-style (leftmost placement, unchanged base first): chr4-5615500-CT-C. GRCh37 (hg19) VCF-style: chr4-5617227-CT-C.
Other names: c.2510del, p.Lys837fs (NM_001166136.2); short protein forms K837fs, K917fs.
Identifiers: ClinVar variation 2950256 (VCV002950256.3), dbSNP rs2475350507, ClinGen allele CA2740091116.